The following is an entry in ClinVar:

ClinVar aggregate classification (germline): Conflicting classifications of pathogenicity. Review status: criteria provided, conflicting classifications (1 of 4 stars). 2 submissions from 2 submitters: Uncertain significance (1); Likely benign (1). Last evaluated 2024-02-14.

Conditions:
POLD1-related polyposis and colorectal cancer syndrome (CRCS10). Also called: Colorectal cancer 10; Colorectal cancer, susceptibility to, 10; COLORECTAL CANCER, SUSCEPTIBILITY TO, ON CHROMOSOME 19q. Identifiers: Orphanet 220460, MedGen C2675481, MONDO:0012953, OMIM 612591.
Hereditary cancer-predisposing syndrome. Also called: Tumor predisposition; Hereditary Cancer Syndrome; Hereditary neoplastic syndrome; Neoplastic Syndromes, Hereditary. Identifiers: Orphanet 140162, MedGen C0027672, MeSH D009386, MONDO:0015356.

Submissions (2):

Labcorp Genetics (formerly Invitae), Labcorp
Classification: Likely benign for POLD1-related polyposis and colorectal cancer syndrome. Last evaluated: 2024-02-14. Review status: criteria provided, single submitter. Criteria: Invitae Variant Classification Sherloc (09022015). Collection method: clinical testing. Allele origin: germline.

Ambry Genetics
Classification: Uncertain significance for Hereditary cancer-predisposing syndrome. Last evaluated: 2016-11-22. Review status: criteria provided, single submitter. Criteria: Ambry Variant Classification Scheme 2023. Collection method: clinical testing. Allele origin: germline.
Comment: The c.317-16C>T intronic alteration consists of a C to T substitution 16 nucleotides before coding exon 3 in the POLD1 gene. Based on insufficient or conflicting evidence, the clinical significance of this alteration remains unclear.

NM_002691.4(POLD1):c.317-16C>T

Gene: POLD1 (DNA polymerase delta 1, catalytic subunit; plus strand). Cytogenetic location: 19q13.33.
Variant type: single nucleotide variant.
Coding change: c.317-16C>T on transcript NM_002691.4 (MANE Select); 16 bases into the intron before coding-DNA position 317, C replaced by T.
Molecular consequence: intron variant.
Genome position (GRCh38, 1-based): chr19:50,401,762, C>T. VCF-style: chr19-50401762-C-T. GRCh37 (hg19) VCF-style: chr19-50905019-C-T.
Other names: c.317-16C>T (NM_001256849.1, NM_001308632.1, NM_002691.2).
Identifiers: ClinVar variation 2804673 (VCV002804673.4), dbSNP rs1031292934, ClinGen allele CA309599032.
Genomic context (GRCh38, chr19:50,401,762, plus strand): 5'-GTATTTCGAGGCTGTGGAGACACACCTTGGAGGACCCTGAGAGGCATGGCCGCTGTCTTA[C>T]CCTGTGACCCCACAGGCCCAGCGCAGCCTGTGCCTGGGGGGCCCCCACCATCCCGCGGCT-3'